The following is an entry in ClinVar:

NM_000360.4(TH):c.718_721del (p.Lys240fs)

Gene: TH (tyrosine hydroxylase; minus strand). Cytogenetic location: 11p15.5.
Variant type: Deletion.
Coding change: c.718_721del on transcript NM_000360.4 (MANE Select); coding-DNA positions 718 to 721, 4 bases deleted (AAGG; older notation c.718_721delAAGG).
Protein change: p.Lys240fs; shifts the reading frame from lysine 240.
Molecular consequence: frameshift variant. On other transcripts: intron variant (2).
Genome position (GRCh38, 1-based): chr11:2,167,007-2,167,010, CCTT deleted on the plus strand (AAGG on the coding strand, the reverse complement: TH is on the minus strand); deleting any 4 consecutive bases within chr11:2,167,007-2,167,011 gives the same sequence; the c. name uses the placement nearest the transcript's 3' end. VCF-style (leftmost placement, unchanged base first): chr11-2167006-CCCTT-C. GRCh37 (hg19) VCF-style: chr11-2188236-CCCTT-C.
Other names: c.730_733del, p.Lys244fs (NM_001440535.1); c.811_814del, p.Lys271fs (NM_199292.3); c.799_802del, p.Lys267fs (NM_199293.3); c.695+425_695+428del (NM_001440537.1); c.707+425_707+428del (NM_001440536.1); short protein forms K240fs, K244fs, K267fs, K271fs.
Identifiers: ClinVar variation 5013925 (VCV005013925.1).

ClinVar aggregate classification (germline): Pathogenic (1 of 4 stars; one submission).

Conditions:
TH-deficient dopa-responsive dystonia. Also called: Segawa syndrome, autosomal recessive; Tyrosine Hydroxylase-Deficient Dopa-Responsive Dystonia; DYT-TH. Identifiers: Orphanet 101150, MedGen C2673535, MONDO:0011551, OMIM 605407.

Submission:

Myriad Genetics, Inc.
Classification: Pathogenic for TH-deficient dopa-responsive dystonia. Last evaluated: 2025-01-03. Review status: criteria provided, single submitter. Criteria: Myriad Autosomal Dominant, Autosomal Recessive and X-Linked Classification Criteria (2023). Collection method: clinical testing. Allele origin: unknown.
Comment: NM_199292.2(TH):c.811_814delAAGG(K271Afs*39) is expected to be pathogenic in the context of tyrosine hydroxylase deficiency. This variant is predicted to lead to an abnormal or absent protein product due to the creation of a premature termination codon in TH, a gene where loss-of-function variants are known to be pathogenic. Please note: this variant was assessed in the context of healthy population screening.